The following is an entry in ClinVar:

ClinVar aggregate classification (somatic clinical impact): Tier II - Potential (1 of 4 stars; one submission).

Conditions:
Malignant peripheral nerve sheath tumor. Identifiers: Orphanet 3148, MedGen C0751690, MONDO:0017827, HP:0100697.

Submission:

Institute for Genomic Medicine (IGM) Clinical Laboratory, Nationwide Children's Hospital
Classification: Tier II - Potential for Malignant peripheral nerve sheath tumor. Assertion type: diagnostic. Clinical significance: supports diagnosis. Last evaluated: 2023-10-05. Review status: criteria provided, single submitter. Criteria: AMP/ASCO/CAP Guidelines, 2017. Collection method: clinical testing. Allele origin: somatic. Affected: yes.
Comment: Variant has Tier II (potential) clinical significance as a diagnostic inclusion criterion in malignant peripheral nerve sheath tumor, based on the following evidence: 1) Appears in one or more well-established professional guidelines (e.g., World Health Organization [WHO]; National Comprehensive Cancer Network [NCCN]) as providing diagnostic, prognostic, or therapeutic information. 2) Diagnostic significance based on multiple small studies (Evidence Level C; PMIDs: 25240281, 25305755, 25119042, 29118384).

Literature cited by the submitters: PubMed 25240281; PubMed 25305755; PubMed 25119042; PubMed 29118384.

NM_015355.4(SUZ12):c.719G>C (p.Ser240Thr)

Gene: SUZ12 (SUZ12 polycomb repressive complex 2 subunit; plus strand). Cytogenetic location: 17q11.2.
Variant type: single nucleotide variant.
Coding change: c.719G>C on transcript NM_015355.4 (MANE Select); coding-DNA position 719, G replaced by C.
Protein change: p.Ser240Thr; replaces serine 240 with threonine.
Molecular consequence: missense variant.
Genome position (GRCh38, 1-based): chr17:31,975,609, G>C. VCF-style: chr17-31975609-G-C. GRCh37 (hg19) VCF-style: chr17-30302628-G-C.
Other names: c.650G>C, p.Ser217Thr (NM_001321207.2); short protein forms S217T, S240T.
Identifiers: ClinVar variation 4530300 (VCV004530300.1).